The following is an entry in ClinVar:

ClinVar aggregate classification (germline): Uncertain significance (1 of 4 stars; one submission).

Conditions:
Colorectal cancer, hereditary nonpolyposis, type 7. Identifiers: Orphanet 144, MedGen C1858380, MONDO:0013725, OMIM 614385.

Submission:

Labcorp Genetics (formerly Invitae), Labcorp
Classification: Uncertain significance for Colorectal cancer, hereditary nonpolyposis, type 7. Last evaluated: 2025-07-07. Review status: criteria provided, single submitter. Criteria: Invitae Variant Classification Sherloc (09022015). Collection method: clinical testing. Allele origin: germline.
Comment: This sequence change replaces glycine, which is neutral and non-polar, with aspartic acid, which is acidic and polar, at codon 1250 of the MLH3 protein (p.Gly1250Asp). This variant is not present in population databases (gnomAD no frequency). This variant has not been reported in the literature in individuals affected with MLH3-related conditions. ClinVar contains an entry for this variant (Variation ID: 1036759). An algorithm developed to predict the effect of missense changes on protein structure and function (PolyPhen-2) suggests that this variant is likely to be disruptive. In summary, the available evidence is currently insufficient to determine the role of this variant in disease. Therefore, it has been classified as a Variant of Uncertain Significance.

NM_001040108.2(MLH3):c.3749G>A (p.Gly1250Asp)

Gene: MLH3 (mutL homolog 3; minus strand). Cytogenetic location: 14q24.3.
Variant type: single nucleotide variant.
Coding change: c.3749G>A on transcript NM_001040108.2 (MANE Select); coding-DNA position 3749, G replaced by A.
Protein change: p.Gly1250Asp; replaces glycine 1250 with aspartic acid.
Molecular consequence: missense variant.
Genome position (GRCh38, 1-based): chr14:75,032,146, C>T on the plus strand (G>A on the coding strand, the complement: MLH3 is on the minus strand). VCF-style: chr14-75032146-C-T. GRCh37 (hg19) VCF-style: chr14-75498849-C-T.
Other names: c.3677G>A, p.Gly1226Asp (NM_014381.3); short protein forms G1226D, G1250D.
Identifiers: ClinVar variation 1036759 (VCV001036759.8), dbSNP rs931917554, ClinGen allele CA390424969.